The following is an entry in ClinVar:

ClinVar aggregate classification (germline): Conflicting classifications of pathogenicity. Review status: criteria provided, conflicting classifications (1 of 4 stars). 3 submissions from 3 submitters: Uncertain significance (2); Likely benign (1). Last evaluated 2024-01-08.

Conditions:
Nemaline myopathy 2 (NEM2). Also called: Nemaline myopathy 2, autosomal recessive. Identifiers: MedGen C1850569, MONDO:0009725, OMIM 256030.

Allele frequency attached by ClinVar (database versions not stated): TOPMed below 0.00001; gnomAD exomes 0.00001 and 0.00002; ExAC 0.00003.
gnomAD v4.1: 13 of 1,607,718 alleles (0.00081%); highest among the groups gnomAD compares: Non-Finnish European, 0.0011%; no homozygotes.

Submissions (3):

Labcorp Genetics (formerly Invitae), Labcorp
Classification: Uncertain significance for Nemaline myopathy 2. Last evaluated: 2024-01-08. Review status: criteria provided, single submitter. Criteria: Invitae Variant Classification Sherloc (09022015). Collection method: clinical testing. Allele origin: germline.
Comment: This sequence change replaces proline, which is neutral and non-polar, with leucine, which is neutral and non-polar, at codon 8211 of the NEB protein (p.Pro8211Leu). This variant is present in population databases (rs751680308, gnomAD 0.005%). This variant has not been reported in the literature in individuals affected with NEB-related conditions. ClinVar contains an entry for this variant (Variation ID: 384848). Algorithms developed to predict the effect of missense changes on protein structure and function output the following: SIFT: "Not Available"; PolyPhen-2: "Not Available"; Align-GVGD: "Not Available". The leucine amino acid residue is found in multiple mammalian species, which suggests that this missense change does not adversely affect protein function. In summary, the available evidence is currently insufficient to determine the role of this variant in disease. Therefore, it has been classified as a Variant of Uncertain Significance.

Revvity Omics, Revvity
Classification: Uncertain significance. Last evaluated: 2021-12-07. Review status: criteria provided, single submitter. Criteria: ACMG Guidelines, 2015. Collection method: clinical testing. Allele origin: germline.

GeneDx
Classification: Likely benign. Last evaluated: 2016-03-31. Review status: criteria provided, single submitter. Criteria: GeneDx Variant Classification (06012015). Collection method: clinical testing. Allele origin: germline. Affected: yes.
Comment: This variant is considered likely benign or benign based on one or more of the following criteria: it is a conservative change, it occurs at a poorly conserved position in the protein, it is predicted to be benign by multiple in silico algorithms, and/or has population frequency not consistent with disease.

NM_001164508.2(NEB):c.24527C>T (p.Pro8176Leu)

Genes: NEB (nebulin; minus strand), RIF1 (replication timing regulatory factor 1; plus strand). Cytogenetic location: 2q23.3.
Variant type: single nucleotide variant.
Coding change: c.24527C>T on transcript NM_001164508.2 (MANE Select); coding-DNA position 24527, C replaced by T.
Protein change: p.Pro8176Leu; replaces proline 8176 with leucine.
Molecular consequence: missense variant.
Genome position (GRCh38, 1-based): chr2:151,494,213, G>A on the plus strand (C>T on the coding strand, the complement: NEB is on the minus strand). VCF-style: chr2-151494213-G-A. GRCh37 (hg19) VCF-style: chr2-152350727-G-A.
Other names: c.24527C>T, p.Pro8176Leu (NM_001164507.2); c.24632C>T, p.Pro8211Leu (NM_001271208.2); c.18959C>T, p.Pro6320Leu (NM_004543.5); short protein forms P8211L, P8176L, P6320L.
Identifiers: ClinVar variation 384848 (VCV000384848.6), dbSNP rs751680308, ClinGen allele CA1906007.
Genomic context (GRCh38, chr2:151,494,213, plus strand): 5'-GACAATACCGAGCTAATGTTTTCTTGATTGCGTTTGACTCTCTGCATCTCAGGAGTGACA[G>A]GGGTTGCGGTGGCTTTCCCCACATTTTCTTTGTACAAAACCTATGGGAATCCAATGGGTC-3'
Protein context (NP_001157980.2, residues 8166-8186): KENVGKATAT[Pro8176Leu]VTPEMQRVKR